The following is an entry in ClinVar:

NM_014284.3(NCDN):c.2148C>T (p.His716=)

Gene: NCDN (neurochondrin; plus strand). Cytogenetic location: 1p34.3.
Variant type: single nucleotide variant.
Coding change: c.2148C>T on transcript NM_014284.3 (MANE Select); coding-DNA position 2148, C replaced by T.
Protein change: p.His716=; no amino-acid change (histidine 716 retained).
Molecular consequence: synonymous variant.
Genome position (GRCh38, 1-based): chr1:35,565,621, C>T. VCF-style: chr1-35565621-C-T. GRCh37 (hg19) VCF-style: chr1-36031222-C-T.
Other names: c.2148C>T, p.His716= (NM_001014839.2); c.2097C>T, p.His699= (NM_001014841.2).
Identifiers: ClinVar variation 2582855 (VCV002582855.25), dbSNP rs1458980122, ClinGen allele CA417150612.

ClinVar aggregate classification (germline): Likely benign (1 of 4 stars; one submission).

Allele frequency attached by ClinVar (database versions not stated): gnomAD exomes below 0.00001.
gnomAD v4.1: 2 of 1,561,852 alleles (0.00013%); highest among the groups gnomAD compares: Non-Finnish European, 0.00017%; no homozygotes.

Submission:

CeGaT Center for Human Genetics Tuebingen
Classification: Likely benign. Last evaluated: 2023-09-01. Review status: criteria provided, single submitter. Criteria: CeGaT Center For Human Genetics Tuebingen Variant Classification Criteria Version 2. Collection method: clinical testing. Allele origin: germline. Affected: yes. Observed: 1 variant allele.
Comment: NCDN: BP4, BP7